The following is an entry in ClinVar:

ClinVar aggregate classification (germline): Uncertain significance (1 of 4 stars; one submission).

Submission:

GeneDx
Classification: Uncertain significance. Last evaluated: 2026-03-31. Review status: criteria provided, single submitter. Criteria: GeneDx Variant Classification Process June 2021. Collection method: clinical testing. Allele origin: germline.
Comment: Not observed at significant frequency in large population cohorts (gnomAD); In silico analysis supports that this missense variant has a deleterious effect on protein structure/function; Has not been previously published as pathogenic or benign to our knowledge.

NM_002609.4(PDGFRB):c.485A>C (p.Glu162Ala)

Gene: PDGFRB (platelet derived growth factor receptor beta; minus strand). Cytogenetic location: 5q32.
Variant type: single nucleotide variant.
Coding change: c.485A>C on transcript NM_002609.4 (MANE Select); coding-DNA position 485, A replaced by C.
Protein change: p.Glu162Ala; replaces glutamic acid 162 with alanine.
Molecular consequence: missense variant. On other transcripts: 5 prime UTR variant (1).
Genome position (GRCh38, 1-based): chr5:150,134,896, T>G on the plus strand (A>C on the coding strand, the complement: PDGFRB is on the minus strand). VCF-style: chr5-150134896-T-G. GRCh37 (hg19) VCF-style: chr5-149514459-T-G.
Other names: c.293A>C, p.Glu98Ala (NM_001355016.2); c.-33A>C (NM_001355017.2); short protein forms E162A, E98A.
Identifiers: ClinVar variation 5018049 (VCV005018049.1).
Genomic context (GRCh38, chr5:150,134,896, plus strand): 5'-ATACCAGAAAAGCCACGTTGGTGATCATAGGGGACAGGCAGTGCAACGTCCCCTTTCTTC[T>G]CGTGCAGTGTCACCACCAGCTGTGGGTCTGTTACTCGGCATGGAATGGTGATCTCAGTTA-3'
Protein context (NP_002600.1, residues 152-172): TDPQLVVTLH[Glu162Ala]KKGDVALPVP